The following is an entry in ClinVar:

ClinVar aggregate classification (germline): Conflicting classifications of pathogenicity. Review status: criteria provided, conflicting classifications (1 of 4 stars). 5 submissions from 5 submitters: Uncertain significance (2); Likely benign (3). Last evaluated 2026-07-23.

Conditions:
USH2A-related disorder. Also called: USH2A-related disorders; USH2A-related condition. Identifiers: MedGen CN239332.

Allele frequency attached by ClinVar (database versions not stated): gnomAD exomes 0.00006; TOPMed 0.00006; gnomAD 0.00008 and 0.00010; ESP Exome Variant Server 0.00015.
gnomAD v4.1: 103 of 1,613,496 alleles (0.0064%); highest among the groups gnomAD compares: South Asian, 0.016%; no homozygotes.

Submissions (5):

GeneDx
Classification: Uncertain significance. Last evaluated: 2026-07-23. Review status: criteria provided, single submitter. Criteria: GeneDx Variant Classification Process June 2021. Collection method: clinical testing. Allele origin: germline.
Comment: In silico analysis suggests that this missense variant does not alter protein structure/function; Has not been previously published as pathogenic or benign to our knowledge

PreventionGenetics, part of Exact Sciences
Classification: Uncertain significance for USH2A-related condition. Last evaluated: 2026-03-21. Review status: criteria provided, single submitter. Criteria: ACMG Guidelines, 2015. Collection method: clinical testing. Allele origin: germline.
Comment: The USH2A c.11008G>A variant is predicted to result in the amino acid substitution p.Glu3670Lys. To our knowledge, this variant has not been reported in the literature. This variant is reported in 0.023% of alleles in individuals of South Asian descent in gnomAD. At this time, the clinical significance of this variant is uncertain due to the absence of conclusive functional and genetic evidence.

Labcorp Genetics (formerly Invitae), Labcorp
Classification: Likely benign. Last evaluated: 2026-01-22. Review status: criteria provided, single submitter. Criteria: Invitae Variant Classification Sherloc (09022015). Collection method: clinical testing. Allele origin: germline.

Blueprint Genetics
Classification: Likely benign. Last evaluated: 2024-11-07. Review status: criteria provided, single submitter. Criteria: ACMG Guidelines, 2015. Collection method: clinical testing. Allele origin: germline.

Laboratory for Molecular Medicine, Mass General Brigham Personalized Medicine
Classification: Likely benign. Last evaluated: 2012-11-29. Review status: criteria provided, single submitter. Criteria: LMM Criteria. Collection method: clinical testing. Allele origin: germline. Observed: 2 variant alleles.
Comment: Glu3670Lys in Exon 56 of USH2A: This variant has been identified in 0.02% (1/860 0) of European American chromosomes from a broad population by the NHLBI Exome S equencing Project (dbSNP rs14058353). It is n ot expected to have clinical significance because the Glu residue at position 36 70 is not well conserved with chimp and orangutan having a Lys at this position.

NM_206933.4(USH2A):c.11008G>A (p.Glu3670Lys)

Gene: USH2A (usherin; minus strand). Cytogenetic location: 1q41.
Variant type: single nucleotide variant.
Coding change: c.11008G>A on transcript NM_206933.4 (MANE Select); coding-DNA position 11008, G replaced by A.
Protein change: p.Glu3670Lys; replaces glutamic acid 3670 with lysine.
Molecular consequence: missense variant.
Genome position (GRCh38, 1-based): chr1:215,766,720, C>T on the plus strand (G>A on the coding strand, the complement: USH2A is on the minus strand). VCF-style: chr1-215766720-C-T. GRCh37 (hg19) VCF-style: chr1-215940062-C-T.
Other names: short protein forms E3670K.
Identifiers: ClinVar variation 48364 (VCV000048364.21), dbSNP rs140548353, ClinGen allele CA143243.